The following is an entry in ClinVar:

NM_182760.4(SUMF1):c.388G>A (p.Glu130Lys)

Gene: SUMF1 (sulfatase modifying factor 1; minus strand). Cytogenetic location: 3p26.1.
Variant type: single nucleotide variant.
Coding change: c.388G>A on transcript NM_182760.4 (MANE Select); coding-DNA position 388, G replaced by A.
Protein change: p.Glu130Lys; replaces glutamic acid 130 with lysine.
Molecular consequence: missense variant.
Genome position (GRCh38, 1-based): chr3:4,452,932, C>T on the plus strand (G>A on the coding strand, the complement: SUMF1 is on the minus strand). VCF-style: chr3-4452932-C-T. GRCh37 (hg19) VCF-style: chr3-4494616-C-T.
Other names: c.388G>A, p.Glu130Lys (NM_001164674.2, NM_001164675.2); short protein forms E130K.
Identifiers: ClinVar variation 2073781 (VCV002073781.4), dbSNP rs2470006158, ClinGen allele CA351793197.

ClinVar aggregate classification (germline): Uncertain significance (1 of 4 stars; one submission).

Conditions:
Multiple sulfatase deficiency (MSD). Also called: Mucosulfatidosis; Multiple Sulfatase Deficiency Disease; Sulfatidosis, Juvenile, Austin Type. Identifiers: Orphanet 585, MedGen C0268263, MONDO:0010088, OMIM 272200.

Submission:

Labcorp Genetics (formerly Invitae), Labcorp
Classification: Uncertain significance for Multiple sulfatase deficiency. Last evaluated: 2022-08-16. Review status: criteria provided, single submitter. Criteria: Invitae Variant Classification Sherloc (09022015). Collection method: clinical testing. Allele origin: germline.
Comment: In summary, the available evidence is currently insufficient to determine the role of this variant in disease. Therefore, it has been classified as a Variant of Uncertain Significance. Algorithms developed to predict the effect of missense changes on protein structure and function are either unavailable or do not agree on the potential impact of this missense change (SIFT: "Deleterious"; PolyPhen-2: "Probably Damaging"; Align-GVGD: "Class C0"). This variant has not been reported in the literature in individuals affected with SUMF1-related conditions. This variant is not present in population databases (gnomAD no frequency). This sequence change replaces glutamic acid, which is acidic and polar, with lysine, which is basic and polar, at codon 130 of the SUMF1 protein (p.Glu130Lys).